The following is an entry in ClinVar:

NM_012448.4(STAT5B):c.1218C>A (p.His406Gln)

Gene: STAT5B (signal transducer and activator of transcription 5B; minus strand). Cytogenetic location: 17q21.2.
Variant type: single nucleotide variant.
Coding change: c.1218C>A on transcript NM_012448.4 (MANE Select); coding-DNA position 1218, C replaced by A.
Protein change: p.His406Gln; replaces histidine 406 with glutamine.
Molecular consequence: missense variant.
Genome position (GRCh38, 1-based): chr17:42,217,416, G>T on the plus strand (C>A on the coding strand, the complement: STAT5B is on the minus strand). VCF-style: chr17-42217416-G-T. GRCh37 (hg19) VCF-style: chr17-40369434-G-T.
Other names: short protein forms H406Q.
Identifiers: ClinVar variation 856714 (VCV000856714.12), dbSNP rs945497674, ClinGen allele CA290741401.

ClinVar aggregate classification (germline): Uncertain significance. Review status: criteria provided, multiple submitters, no conflicts (2 of 4 stars). 3 submissions from 3 submitters: Uncertain significance (3). Last evaluated 2025-08-24.

Conditions:
Inborn genetic diseases. Identifiers: MedGen C0950123, MeSH D030342.
Growth hormone insensitivity with immune dysregulation 1, autosomal recessive. Also called: GROWTH HORMONE INSENSITIVITY SYNDROME WITH IMMUNE DYSREGULATION 1, AUTOSOMAL RECESSIVE; GROWTH HORMONE INSENSITIVITY DUE TO POSTRECEPTOR DEFECT; LARON SYNDROME DUE TO POSTRECEPTOR DEFECT; Laron syndrome with immunodeficiency. Identifiers: Orphanet 220465, MedGen C5435698, MONDO:0100211, OMIM 245590.

Allele frequency attached by ClinVar (database versions not stated): TOPMed below 0.00001; gnomAD 0.00002.
gnomAD v4.1: 3 of 1,614,060 alleles (0.00019%); highest among the groups gnomAD compares: African/African-American, 0.004%; no homozygotes.

Submissions (3):

Ambry Genetics
Classification: Uncertain significance for Inborn genetic diseases. Last evaluated: 2025-08-24. Review status: criteria provided, single submitter. Criteria: Ambry Variant Classification Scheme 2023. Collection method: clinical testing. Allele origin: germline.

Blueprint Genetics
Classification: Uncertain significance. Last evaluated: 2023-10-09. Review status: criteria provided, single submitter. Criteria: ACMG Guidelines, 2015. Collection method: clinical testing. Allele origin: germline.

Labcorp Genetics (formerly Invitae), Labcorp
Classification: Uncertain significance for Growth hormone insensitivity with immune dysregulation 1, autosomal recessive. Last evaluated: 2019-04-03. Review status: criteria provided, single submitter. Criteria: Invitae Variant Classification Sherloc (09022015). Collection method: clinical testing. Allele origin: germline.
Comment: In summary, the available evidence is currently insufficient to determine the role of this variant in disease. Therefore, it has been classified as a Variant of Uncertain Significance. Algorithms developed to predict the effect of missense changes on protein structure and function (SIFT, PolyPhen-2, Align-GVGD) all suggest that this variant is likely to be tolerated, but these predictions have not been confirmed by published functional studies and their clinical significance is uncertain. This variant has not been reported in the literature in individuals with STAT5B-related conditions. This variant is not present in population databases (ExAC no frequency). This sequence change replaces histidine with glutamine at codon 406 of the STAT5B protein (p.His406Gln). The histidine residue is highly conserved and there is a small physicochemical difference between histidine and glutamine.